The following is an entry in ClinVar:

ClinVar aggregate classification (germline): Uncertain significance (1 of 4 stars; one submission).

Conditions:
CHARGE syndrome (CHARGE). Also called: Hittner Hirsch Kreh syndrome; CHARGE ASSOCIATION--COLOBOMA, HEART ANOMALY, CHOANAL ATRESIA, RETARDATION, GENITAL AND EAR ANOMALIES; Coloboma, heart anomaly, choanal atresia, retardation, genital and ear anomalies; CHARGE association; Hall-Hittner syndrome. Identifiers: Orphanet 138, MedGen C0265354, MONDO:0008965.

Submission:

Labcorp Genetics (formerly Invitae), Labcorp
Classification: Uncertain significance for CHARGE syndrome. Last evaluated: 2025-06-02. Review status: criteria provided, single submitter. Criteria: Invitae Variant Classification Sherloc (09022015). Collection method: clinical testing. Allele origin: germline.
Comment: This sequence change replaces asparagine, which is neutral and polar, with lysine, which is basic and polar, at codon 878 of the CHD7 protein (p.Asn878Lys). This variant is not present in population databases (gnomAD no frequency). This variant has not been reported in the literature in individuals affected with CHD7-related conditions. Invitae Evidence Modeling of protein sequence and biophysical properties (such as structural, functional, and spatial information, amino acid conservation, physicochemical variation, residue mobility, and thermodynamic stability) indicates that this missense variant is expected to disrupt CHD7 protein function with a positive predictive value of 95%. In summary, the available evidence is currently insufficient to determine the role of this variant in disease. Therefore, it has been classified as a Variant of Uncertain Significance.

NM_017780.4(CHD7):c.2634T>A (p.Asn878Lys)

Gene: CHD7 (chromodomain helicase DNA binding protein 7; plus strand). Cytogenetic location: 8q12.2.
Variant type: single nucleotide variant.
Coding change: c.2634T>A on transcript NM_017780.4 (MANE Select); coding-DNA position 2634, T replaced by A.
Protein change: p.Asn878Lys; replaces asparagine 878 with lysine.
Molecular consequence: missense variant. On other transcripts: intron variant (1).
Genome position (GRCh38, 1-based): chr8:60,820,027, T>A. VCF-style: chr8-60820027-T-A. GRCh37 (hg19) VCF-style: chr8-61732586-T-A.
Other names: c.1716+38977T>A (NM_001316690.1); short protein forms N878K.
Identifiers: ClinVar variation 4746287 (VCV004746287.1).